The following is an entry in ClinVar:

ClinVar aggregate classification (germline): Uncertain significance. Review status: criteria provided, multiple submitters, no conflicts (2 of 4 stars). 4 submissions from 4 submitters: Uncertain significance (4). Last evaluated 2024-01-16.

Conditions:
Inborn genetic diseases. Identifiers: MedGen C0950123, MeSH D030342.
Developmental and epileptic encephalopathy, 23 (DEE23). Also called: Epileptic encephalopathy, early infantile, 23. Identifiers: Orphanet 411986, MedGen C4014492, MONDO:0014371, OMIM 615859.

Allele frequency attached by ClinVar (database versions not stated): ExAC 0.00003; gnomAD 0.00005 and 0.00006; gnomAD exomes 0.00005; TOPMed 0.00011.
gnomAD v4.1: 173 of 1,613,836 alleles (0.011%); highest among the groups gnomAD compares: Non-Finnish European, 0.013%; no homozygotes.

Submissions (4):

GeneDx
Classification: Uncertain significance. Last evaluated: 2024-01-16. Review status: criteria provided, single submitter. Criteria: GeneDx Variant Classification Process June 2021. Collection method: clinical testing. Allele origin: germline. Affected: yes.
Comment: Not observed at significant frequency in large population cohorts (gnomAD); In silico analysis supports that this missense variant does not alter protein structure/function; Has not been previously published as pathogenic or benign to our knowledge

Ambry Genetics
Classification: Uncertain significance for Inborn genetic diseases. Last evaluated: 2023-07-05. Review status: criteria provided, single submitter. Criteria: Ambry Variant Classification Scheme 2023. Collection method: clinical testing. Allele origin: germline.

Genome-Nilou Lab
Classification: Uncertain significance for Developmental and epileptic encephalopathy, 23. Last evaluated: 2023-04-11. Review status: criteria provided, single submitter. Criteria: ACMG Guidelines, 2015. Collection method: clinical testing. Allele origin: germline. Affected: no.

Labcorp Genetics (formerly Invitae), Labcorp
Classification: Uncertain significance for Developmental and epileptic encephalopathy, 23. Last evaluated: 2023-04-01. Review status: criteria provided, single submitter. Criteria: Invitae Variant Classification Sherloc (09022015). Collection method: clinical testing. Allele origin: germline.
Comment: Advanced modeling of protein sequence and biophysical properties (such as structural, functional, and spatial information, amino acid conservation, physicochemical variation, residue mobility, and thermodynamic stability) performed at Invitae indicates that this missense variant is not expected to disrupt DOCK7 protein function. In summary, the available evidence is currently insufficient to determine the role of this variant in disease. Therefore, it has been classified as a Variant of Uncertain Significance. ClinVar contains an entry for this variant (Variation ID: 935638). This variant has not been reported in the literature in individuals affected with DOCK7-related conditions. This variant is present in population databases (rs758986234, gnomAD 0.01%). This sequence change replaces valine, which is neutral and non-polar, with isoleucine, which is neutral and non-polar, at codon 1084 of the DOCK7 protein (p.Val1084Ile).

NM_001367561.1(DOCK7):c.3250G>A (p.Val1084Ile)

Gene: DOCK7 (dedicator of cytokinesis 7; minus strand). Cytogenetic location: 1p31.3.
Variant type: single nucleotide variant.
Coding change: c.3250G>A on transcript NM_001367561.1 (MANE Select); coding-DNA position 3250, G replaced by A.
Protein change: p.Val1084Ile; replaces valine 1084 with isoleucine.
Molecular consequence: missense variant.
Genome position (GRCh38, 1-based): chr1:62,539,595, C>T on the plus strand (G>A on the coding strand, the complement: DOCK7 is on the minus strand). VCF-style: chr1-62539595-C-T. GRCh37 (hg19) VCF-style: chr1-63005266-C-T.
Other names: c.3250G>A, p.Val1084Ile (NM_001271999.2, NM_001330614.2); c.3157G>A, p.Val1053Ile (NM_001272000.2, NM_001272001.2, NM_033407.4); c.3157G>A (NM_033407.2); short protein forms V1053I, V1084I.
Identifiers: ClinVar variation 935638 (VCV000935638.12), dbSNP rs758986234, ClinGen allele CA886046.
Genomic context (GRCh38, chr1:62,539,595, plus strand): 5'-TATGCATTACCTGTTTATAGCAGGACTTTATAAGGCTAAAAACAAATCCTCTGTCCATAA[C>T]AGACAACAGATCATTGAGAAAGAATGCAAGGCTTGTATTGAGTCTCTCAACCATTTCTGT-3'
Protein context (NP_001354490.1, residues 1074-1094): LAFFLNDLLS[Val1084Ile]MDRGFVFSLI